The following is an entry in ClinVar:

NM_001256789.3(CACNA1F):c.4862G>C (p.Arg1621Pro)

Genes: CACNA1F (calcium voltage-gated channel subunit alpha1 F; minus strand), LOC126863257 (BRD4-independent group 4 enhancer GRCh37_chrX:49065732-49066931; plus strand). Cytogenetic location: Xp11.23.
Variant type: single nucleotide variant.
Coding change: c.4862G>C on transcript NM_001256789.3 (MANE Select); coding-DNA position 4862, G replaced by C.
Protein change: p.Arg1621Pro; replaces arginine 1621 with proline.
Molecular consequence: missense variant.
Genome position (GRCh38, 1-based): chrX:49,209,353, C>G on the plus strand (G>C on the coding strand, the complement: CACNA1F is on the minus strand). VCF-style: chrX-49209353-C-G. GRCh37 (hg19) VCF-style: chrX-49065813-C-G.
Other names: c.4895G>C (NM_005183.2); c.4700G>C, p.Arg1567Pro (NM_001256790.3); c.4895G>C, p.Arg1632Pro (NM_005183.4); short protein forms R1567P, R1621P, R1632P.
Identifiers: ClinVar variation 1509434 (VCV001509434.9), dbSNP rs1187765018, ClinGen allele CA412960047.

ClinVar aggregate classification (germline): Uncertain significance. Review status: criteria provided, multiple submitters, no conflicts (2 of 4 stars). 4 submissions from 4 submitters: Uncertain significance (4). Last evaluated 2024-10-15.

Conditions:
Aland island eye disease (AIED). Also called: Forsius Eriksson type ocular albinism. Identifiers: Orphanet 178333, MedGen C0268505, MONDO:0010371, OMIM 300600.
X-linked cone-rod dystrophy 3 (CORDX3). Identifiers: Orphanet 1872, MedGen C1845407, MONDO:0010335, OMIM 300476.
Congenital stationary night blindness 2A (CSNB2A). Also called: CSNB, INCOMPLETE, X-LINKED; Night blindness, congenital stationary (incomplete), 2A, X-linked; CACNA1F-Related X-Linked Congenital Stationary Night Blindness; NIGHT BLINDNESS, CONGENITAL STATIONARY, TYPE 2. Identifiers: Orphanet 215, MedGen C1848172, MONDO:0010241, OMIM 300071.
Inborn genetic diseases. Identifiers: MedGen C0950123, MeSH D030342.

Allele frequency attached by ClinVar (database versions not stated): TOPMed 0.00001; gnomAD exomes 0.00002.
gnomAD v4.1: 20 of 1,209,561 alleles (0.0017%); highest among the groups gnomAD compares: Non-Finnish European, 0.0022%; no homozygotes.

Submissions (4):

Clinical Genomics Laboratory, Washington University in St. Louis
Classification: Uncertain significance for Aland island eye disease; X-linked cone-rod dystrophy 3; Congenital stationary night blindness 2A. Last evaluated: 2024-10-15. Review status: criteria provided, single submitter. Criteria: ACMG Guidelines, 2015. Collection method: clinical testing. Allele origin: germline.
Comment: The CACNA1F c.4862G>C (p.Arg1621Pro) variant, to our knowledge, has not been reported in the medical literature and is absent from the general population (gnomAD v.2.1.1), indicating it is not a common variant. Computational predictors are uncertain as to the impact of this variant on CACNA1F function. This variant has been reported in the ClinVar database as a germline variant of uncertain significance. Due to limited information, and based on ACMG/AMP guidelines for variant interpretation (Richards S et al., PMID: 25741868), the clinical significance of this variant is uncertain at this time.

Blueprint Genetics
Classification: Uncertain significance. Last evaluated: 2024-07-11. Review status: criteria provided, single submitter. Criteria: ACMG Guidelines, 2015. Collection method: clinical testing. Allele origin: germline.

Ambry Genetics
Classification: Uncertain significance for Inborn genetic diseases. Last evaluated: 2023-12-22. Review status: criteria provided, single submitter. Criteria: Ambry Variant Classification Scheme 2023. Collection method: clinical testing. Allele origin: germline.

Labcorp Genetics (formerly Invitae), Labcorp
Classification: Uncertain significance. Last evaluated: 2022-06-13. Review status: criteria provided, single submitter. Criteria: Invitae Variant Classification Sherloc (09022015). Collection method: clinical testing. Allele origin: germline.
Comment: This variant is not present in population databases (gnomAD no frequency). This sequence change replaces arginine, which is basic and polar, with proline, which is neutral and non-polar, at codon 1632 of the CACNA1F protein (p.Arg1632Pro). This variant has not been reported in the literature in individuals affected with CACNA1F-related conditions. In summary, the available evidence is currently insufficient to determine the role of this variant in disease. Therefore, it has been classified as a Variant of Uncertain Significance. Algorithms developed to predict the effect of missense changes on protein structure and function are either unavailable or do not agree on the potential impact of this missense change (SIFT: "Deleterious"; PolyPhen-2: "Benign"; Align-GVGD: "Class C35").